The following is an entry in ClinVar:

NM_024675.4(PALB2):c.1465_1470del (p.Ser489_Pro490del)

Gene: PALB2 (partner and localizer of BRCA2; minus strand). Cytogenetic location: 16p12.2.
Variant type: Deletion.
Coding change: c.1465_1470del on transcript NM_024675.4 (MANE Select); coding-DNA positions 1465 to 1470, 6 bases deleted (TCTCCC; older notation c.1465_1470delTCTCCC).
Protein change: p.Ser489_Pro490del.
Molecular consequence: inframe deletion.
Genome position (GRCh38, 1-based): chr16:23,635,076-23,635,081, GGGAGA deleted on the plus strand (TCTCCC on the coding strand, the reverse complement: PALB2 is on the minus strand); deleting any 6 consecutive bases within chr16:23,635,076-23,635,082 gives the same sequence; the c. name uses the placement nearest the transcript's 3' end. VCF-style (leftmost placement, unchanged base first): chr16-23635075-CGGGAGA-C. GRCh37 (hg19) VCF-style: chr16-23646396-CGGGAGA-C.
Identifiers: ClinVar variation 830141 (VCV000830141.1), dbSNP rs1966964993, ClinGen allele CA916081857.

ClinVar aggregate classification (germline): Uncertain significance (0 of 4 stars; one submission).

Submission:

Leiden Open Variation Database
Classification: Uncertain significance. Last evaluated: 2018-10-10. Review status: no assertion criteria provided. Collection method: curation. Allele origin: germline. Affected: yes.
Comment: Curators: Marc Tischkowitz, Arleen D. Auerbach. Submitter to LOVD: Yukihide Momozawa.

Literature cited by the submitters: PubMed 30287823.